The following is an entry in ClinVar:

ClinVar aggregate classification (germline): Uncertain significance (1 of 4 stars; one submission).

Conditions:
Epileptic encephalopathy. Identifiers: MedGen C0543888, HP:0200134.

Allele frequency attached by ClinVar (database versions not stated): gnomAD 0.00001; TOPMed 0.00001; gnomAD exomes 0.00002.

Submission:

Labcorp Genetics (formerly Invitae), Labcorp
Classification: Uncertain significance for Epileptic encephalopathy. Last evaluated: 2023-03-20. Review status: criteria provided, single submitter. Criteria: Invitae Variant Classification Sherloc (09022015). Collection method: clinical testing. Allele origin: germline.
Comment: In summary, the available evidence is currently insufficient to determine the role of this variant in disease. Therefore, it has been classified as a Variant of Uncertain Significance. An algorithm developed to predict the effect of missense changes on protein structure and function (PolyPhen-2) suggests that this variant is likely to be disruptive. ClinVar contains an entry for this variant (Variation ID: 571078). This variant has not been reported in the literature in individuals affected with FASN-related conditions. This variant is present in population databases (no rsID available, gnomAD 0.003%). This sequence change replaces arginine, which is basic and polar, with histidine, which is basic and polar, at codon 1461 of the FASN protein (p.Arg1461His).

NM_004104.5(FASN):c.4382G>A (p.Arg1461His)

Gene: FASN (fatty acid synthase; minus strand). Cytogenetic location: 17q25.3.
Variant type: single nucleotide variant.
Coding change: c.4382G>A on transcript NM_004104.5 (MANE Select); coding-DNA position 4382, G replaced by A.
Protein change: p.Arg1461His; replaces arginine 1461 with histidine.
Molecular consequence: missense variant.
Genome position (GRCh38, 1-based): chr17:82,085,062, C>T on the plus strand (G>A on the coding strand, the complement: FASN is on the minus strand). VCF-style: chr17-82085062-C-T. GRCh37 (hg19) VCF-style: chr17-80042938-C-T.
Other names: short protein forms R1461H.
Identifiers: ClinVar variation 571078 (VCV000571078.10), dbSNP rs781635109, ClinGen allele CA401546940.